The following is an entry in ClinVar:

ClinVar aggregate classification (germline): Pathogenic (1 of 4 stars; one submission).

Submission:

Labcorp Genetics (formerly Invitae), Labcorp
Classification: Pathogenic. Last evaluated: 2022-05-31. Review status: criteria provided, single submitter. Criteria: Invitae Variant Classification Sherloc (09022015). Collection method: clinical testing. Allele origin: germline.
Comment: For these reasons, this variant has been classified as Pathogenic. This sequence change creates a premature translational stop signal (p.Glu580*) in the DRP2 gene. It is expected to result in an absent or disrupted protein product. Loss-of-function variants in DRP2 are known to be pathogenic (PMID: 22764250, 26227883). This variant is not present in population databases (gnomAD no frequency). This variant has not been reported in the literature in individuals affected with DRP2-related conditions.

Literature cited by the submitters: PubMed 22764250; PubMed 26227883.

NM_001939.3(DRP2):c.1738G>T (p.Glu580Ter)

Gene: DRP2 (dystrophin related protein 2; plus strand). Cytogenetic location: Xq22.1.
Variant type: single nucleotide variant.
Coding change: c.1738G>T on transcript NM_001939.3 (MANE Select); coding-DNA position 1738, G replaced by T.
Protein change: p.Glu580Ter; replaces glutamic acid 580 with a stop codon.
Molecular consequence: nonsense.
Genome position (GRCh38, 1-based): chrX:101,250,956, G>T. VCF-style: chrX-101250956-G-T. GRCh37 (hg19) VCF-style: chrX-100505945-G-T.
Other names: c.1504G>T, p.Glu502Ter (NM_001171184.2); short protein forms E580*, E502*.
Identifiers: ClinVar variation 2000341 (VCV002000341.4), dbSNP rs2520282293, ClinGen allele CA413930291.